The following is an entry in ClinVar:

ClinVar aggregate classification (germline): Pathogenic (1 of 4 stars; one submission).

gnomAD v4.1: 1 of 1,614,226 alleles (0.000062%); highest among the groups gnomAD compares: Non-Finnish European, 0.000085%; no homozygotes.

Submission:

Labcorp Genetics (formerly Invitae), Labcorp
Classification: Pathogenic. Last evaluated: 2024-07-03. Review status: criteria provided, single submitter. Criteria: Invitae Variant Classification Sherloc (09022015). Collection method: clinical testing. Allele origin: germline.
Comment: This sequence change creates a premature translational stop signal (p.Lys173*) in the PCARE gene. It is expected to result in an absent or disrupted protein product. Loss-of-function variants in PCARE are known to be pathogenic (PMID: 20398886, 24339724, 26496393). This variant is not present in population databases (gnomAD no frequency). This variant has not been reported in the literature in individuals affected with PCARE-related conditions. For these reasons, this variant has been classified as Pathogenic.

Literature cited by the submitters: PubMed 20398886; PubMed 24339724; PubMed 26496393.

NM_001029883.3(PCARE):c.517A>T (p.Lys173Ter)

Gene: PCARE (photoreceptor cilium actin regulator; minus strand). Cytogenetic location: 2p23.2.
Variant type: single nucleotide variant.
Coding change: c.517A>T on transcript NM_001029883.3 (MANE Select); coding-DNA position 517, A replaced by T.
Protein change: p.Lys173Ter; replaces lysine 173 with a stop codon.
Molecular consequence: nonsense.
Genome position (GRCh38, 1-based): chr2:29,073,745, T>A on the plus strand (A>T on the coding strand, the complement: PCARE is on the minus strand). VCF-style: chr2-29073745-T-A. GRCh37 (hg19) VCF-style: chr2-29296611-T-A.
Other names: short protein forms K173*.
Identifiers: ClinVar variation 3658716 (VCV003658716.2).
Genomic context (GRCh38, chr2:29,073,745, plus strand): 5'-AGTGTAGATAGGTGTAAGCCTGCTGGTGGGCCTTTACCAGAGGCTCCGGGAAGTCCACTT[T>A]GCCTTCAGGCTCATGAGCAGGGTGGATGGTTTGGTAGCAGTGGCTCTGTGTGCTTGACGT-3'